The following is an entry in ClinVar:

ClinVar aggregate classification (germline): Uncertain significance. Review status: criteria provided, multiple submitters, no conflicts (2 of 4 stars). 3 submissions from 3 submitters: Uncertain significance (3). Last evaluated 2025-03-07.

Conditions:
Episodic ataxia, type 9. Identifiers: MedGen C5394520, MONDO:0030064, OMIM 618924.
Seizures, benign familial infantile, 3 (BFIS3). Also called: Familial neonatal seizures; CONVULSIONS, BENIGN FAMILIAL INFANTILE, 3. Identifiers: Orphanet 140927, Orphanet 306, MedGen C1843140, MONDO:0011904, OMIM 607745.
Developmental and epileptic encephalopathy, 11 (DEE11). Also called: Early infantile epileptic encephalopathy 11. Identifiers: Orphanet 1934, MedGen C3150987, MONDO:0013388, OMIM 613721.

Allele frequency attached by ClinVar (database versions not stated): gnomAD exomes below 0.00001; gnomAD 0.00001.

Submissions (3):

3billion
Classification: Uncertain significance for Developmental and epileptic encephalopathy, 11. Last evaluated: 2025-03-07. Review status: criteria provided, single submitter. Criteria: ACMG Guidelines, 2015. Collection method: clinical testing. Allele origin: germline. Affected: yes.

Genomic Medicine Center of Excellence, King Faisal Specialist Hospital and Research Centre
Classification: Uncertain significance for Episodic ataxia, type 9. Last evaluated: 2024-04-04. Review status: criteria provided, single submitter. Criteria: ACMG Guidelines, 2015. Collection method: clinical testing. Allele origin: germline.

Labcorp Genetics (formerly Invitae), Labcorp
Classification: Uncertain significance for Seizures, benign familial infantile, 3; Developmental and epileptic encephalopathy, 11. Last evaluated: 2023-06-25. Review status: criteria provided, single submitter. Criteria: Invitae Variant Classification Sherloc (09022015). Collection method: clinical testing. Allele origin: germline.
Comment: In summary, the available evidence is currently insufficient to determine the role of this variant in disease. Therefore, it has been classified as a Variant of Uncertain Significance. Experimental studies have shown that this missense change does not substantially affect SCN2A function (PMID: 19786696). Advanced modeling of protein sequence and biophysical properties (such as structural, functional, and spatial information, amino acid conservation, physicochemical variation, residue mobility, and thermodynamic stability) performed at Invitae indicates that this missense variant is not expected to disrupt SCN2A protein function. ClinVar contains an entry for this variant (Variation ID: 1345642). This missense change has been observed in individual(s) with SCN2A-related conditions (PMID: 19786696). This variant is not present in population databases (gnomAD no frequency). This sequence change replaces alanine, which is neutral and non-polar, with valine, which is neutral and non-polar, at codon 575 of the SCN2A protein (p.Ala575Val).

Literature cited by the submitters: PubMed 19786696 (cited by 3billion and Labcorp Genetics (formerly Invitae), Labcorp).

NM_001040142.2(SCN2A):c.1724C>T (p.Ala575Val)

Gene: SCN2A (sodium voltage-gated channel alpha subunit 2; plus strand). Cytogenetic location: 2q24.3.
Variant type: single nucleotide variant.
Coding change: c.1724C>T on transcript NM_001040142.2 (MANE Select); coding-DNA position 1724, C replaced by T.
Protein change: p.Ala575Val; replaces alanine 575 with valine.
Molecular consequence: missense variant.
Genome position (GRCh38, 1-based): chr2:165,323,208, C>T. VCF-style: chr2-165323208-C-T. GRCh37 (hg19) VCF-style: chr2-166179718-C-T.
Other names: c.1724C>T, p.Ala575Val (NM_001040143.2, NM_001371246.1, NM_001371247.1 and 1 more transcripts); short protein forms A575V.
Identifiers: ClinVar variation 1345642 (VCV001345642.8), dbSNP rs986167267, ClinGen allele CA59736781.